The following is an entry in ClinVar:

NM_000037.4(ANK1):c.890C>T (p.Pro297Leu)

Gene: ANK1 (ankyrin 1; minus strand). Cytogenetic location: 8p11.21.
Variant type: single nucleotide variant.
Coding change: c.890C>T on transcript NM_000037.4 (MANE Select); coding-DNA position 890, C replaced by T.
Protein change: p.Pro297Leu; replaces proline 297 with leucine.
Molecular consequence: missense variant.
Genome position (GRCh38, 1-based): chr8:41,723,144, G>A on the plus strand (C>T on the coding strand, the complement: ANK1 is on the minus strand). VCF-style: chr8-41723144-G-A. GRCh37 (hg19) VCF-style: chr8-41580662-G-A.
Other names: c.989C>T, p.Pro330Leu (NM_001142446.2); c.890C>T, p.Pro297Leu (NM_020475.3, NM_020476.3, NM_020477.3); short protein forms P297L, P330L.
Identifiers: ClinVar variation 4997365 (VCV004997365.1).

ClinVar aggregate classification (germline): Uncertain significance (1 of 4 stars; one submission).

Conditions:
ANK1-related disorder. Also called: ANK1-related condition.

Submission:

PreventionGenetics, part of Exact Sciences
Classification: Uncertain significance for ANK1-related condition. Last evaluated: 2024-11-15. Review status: criteria provided, single submitter. Criteria: ACMG Guidelines, 2015. Collection method: clinical testing. Allele origin: germline.
Comment: The ANK1 c.890C>T variant is predicted to result in the amino acid substitution p.Pro297Leu. To our knowledge, this variant has not been reported in the literature or in a large population database (gnomAD), indicating this variant is rare. At this time, the clinical significance of this variant is uncertain due to the absence of conclusive functional and genetic evidence.